The following is an entry in ClinVar:

ClinVar aggregate classification (germline): Pathogenic/Likely pathogenic. Review status: criteria provided, multiple submitters, no conflicts (2 of 4 stars). 3 submissions from 3 submitters: Pathogenic (1); Likely pathogenic (1). 1 of the submissions does not count toward it. Last evaluated 2026-01-14.

Conditions:
Methylmalonic aciduria, cblA type (MACA). Also called: Vitamin B12-responsive methylmalonic acidemia type cblA; Methylmalonic aciduria, vitamin B12-responsive; Methylmalonic aciduria, vitamin b12-responsive, due to defect in synthesis of adenosylcobalamin, cbla complementation type; MMA cbl A type; Methylmalonic acidemia cblA type. Identifiers: Orphanet 28, Orphanet 79310, MedGen C1855109, MONDO:0009613, OMIM 251100.

Allele frequency attached by ClinVar (database versions not stated): TOPMed below 0.00001.
gnomAD v4.1: 1 of 1,613,984 alleles (0.000062%); highest among the groups gnomAD compares: Non-Finnish European, 0.000085%; no homozygotes.

Submissions (3):

Myriad Genetics, Inc.
Classification: Pathogenic for Methylmalonic aciduria, cblA type. Last evaluated: 2026-01-14. Review status: criteria provided, single submitter. Criteria: Myriad Autosomal Dominant, Autosomal Recessive and X-Linked Classification Criteria (2023). Collection method: clinical testing. Allele origin: unknown.
Comment: NM_172250.2(MMAA):c.970-2A>T is a variant in a canonical splice site classified as pathogenic in the context of methylmalonic acidemia, cblA type. c.970-2A>T has been observed in cases with relevant disease (PMID: 15523652, 28497574). Relevant functional assessments of this variant are not available in the literature. c.970-2A>T has not been observed in referenced population frequency databases. In summary, NM_172250.2(MMAA):c.970-2A>T is a variant in a canonical splice site in a gene where loss of function is a known mechanism of disease, is predicted to disrupt protein function, and has been observed more frequently in cases with the relevant disease than in healthy populations. Please note: this variant was assessed in the context of healthy population screening.

Natera, Inc.
Classification: Likely pathogenic for Methylmalonic aciduria cblA type. Last evaluated: 2025-12-13. Review status: criteria provided, single submitter. Criteria: Natera Variant Classification Schema (03/2026). Collection method: clinical testing. Allele origin: germline.
Comment: The c.970-2A>T variant in MMAA is a canonical splice acceptor site variant predicted to affect pre-mRNA splicing, which may result in an abnormal transcript and altered protein product. This variant may result in a truncated or dysfunctional protein product. This variant is rare in the general population with a frequency below the threshold expected for the associated phenotype(s). This variant has been observed in one or more individuals affected with the associated recessive disease, as either homozygous or compound heterozygous with a second variant (PMID: 28497574, 15523652). Given the available evidence, this variant is classified as Likely Pathogenic.

Counsyl
Classification: Pathogenic for Methylmalonic aciduria, cblA type. Last evaluated: 2017-12-08. Review status: no assertion criteria provided. Collection method: clinical testing. Allele origin: unknown. Not counted in ClinVar's aggregate classification.

Literature cited by the submitters: PubMed 15523652 (cited by 3 submitters); PubMed 28497574 (cited by 3 submitters).

NM_172250.3(MMAA):c.970-2A>T

Gene: MMAA (metabolism of cobalamin associated A; plus strand). Cytogenetic location: 4q31.21.
Variant type: single nucleotide variant.
Coding change: c.970-2A>T on transcript NM_172250.3 (MANE Select); the canonical splice acceptor site of the intron before coding-DNA position 970, A replaced by T.
Molecular consequence: splice acceptor variant.
Genome position (GRCh38, 1-based): chr4:145,655,145, A>T. VCF-style: chr4-145655145-A-T. GRCh37 (hg19) VCF-style: chr4-146576297-A-T.
Other names: c.970-2A>T (NM_001375644.1).
Identifiers: ClinVar variation 555331 (VCV000555331.4), dbSNP rs1553959113, ClinGen allele CA358344703.
Genomic context (GRCh38, chr4:145,655,145, plus strand): 5'-TCCCTGTAAAAATTTTTTCTATCATTTTAAGTAAAATGGTCTGGTTCTTCCCTTTTCGAT[A>T]GGTAATTCGTATTTCTGCCCGAAGTGGAGAGGGGATCTCTGAAATGTGGGATAAAATGAA-3'